The following is an entry in ClinVar:

ClinVar aggregate classification (germline): Pathogenic (1 of 4 stars; one submission).

Conditions:
Early-infantile DEE. Also called: Early infantile epileptic encephalopathy; Ohtahara syndrome; Early infantile epileptic encephalopathy with suppression bursts. Identifiers: Orphanet 1934, MedGen C0393706, MONDO:0800491.

Submission:

Labcorp Genetics (formerly Invitae), Labcorp
Classification: Pathogenic for Early-infantile DEE. Last evaluated: 2024-03-20. Review status: criteria provided, single submitter. Criteria: Invitae Variant Classification Sherloc (09022015). Collection method: clinical testing. Allele origin: germline.
Comment: This sequence change creates a premature translational stop signal (p.Ser151*) in the SLC25A22 gene. It is expected to result in an absent or disrupted protein product. Loss-of-function variants in SLC25A22 are known to be pathogenic (PMID: 15592994, 19780765). This variant is not present in population databases (gnomAD no frequency). This variant has not been reported in the literature in individuals affected with SLC25A22-related conditions. For these reasons, this variant has been classified as Pathogenic.

Literature cited by the submitters: PubMed 15592994; PubMed 19780765.

NM_001191061.2(SLC25A22):c.452C>A (p.Ser151Ter)

Gene: SLC25A22 (solute carrier family 25 member 22; minus strand). Cytogenetic location: 11p15.5.
Variant type: single nucleotide variant.
Coding change: c.452C>A on transcript NM_001191061.2 (MANE Select); coding-DNA position 452, C replaced by A.
Protein change: p.Ser151Ter; replaces serine 151 with a stop codon.
Molecular consequence: nonsense.
Genome position (GRCh38, 1-based): chr11:792,688, G>T on the plus strand (C>A on the coding strand, the complement: SLC25A22 is on the minus strand). VCF-style: chr11-792688-G-T. GRCh37 (hg19) VCF-style: chr11-792688-G-T.
Other names: c.452C>A, p.Ser151Ter (NM_001425337.1, NM_001425338.1, NM_001425339.1 and 4 more transcripts); c.449C>A, p.Ser150Ter (NM_001425340.1); c.527C>A, p.Ser176Ter (NM_001425334.1); c.491C>A, p.Ser164Ter (NM_001425335.1); c.467C>A, p.Ser156Ter (NM_001425336.1); c.440C>A, p.Ser147Ter (NM_001425341.1); c.134C>A, p.Ser45Ter (NM_001425344.1); short protein forms S176*, S45*, S147*, S151*, S156*, S150*, S164*.
Identifiers: ClinVar variation 3646933 (VCV003646933.2).
Genomic context (GRCh38, chr11:792,688, plus strand): 5'-GTGGCCGTGGGCCGAGGGGCAGCTGGAGCCTCCACTGAGGGCTGGGCACCCCCCTGGGCC[G>T]AGAGCTGGCCCTGGGCAGCCAGGATCTTCCTCTGGGCGGCTGGGGACAAAGAGGCTGCTG-3'